The following is an entry in ClinVar:

NM_024312.5(GNPTAB):c.636+2T>C

Gene: GNPTAB (N-acetylglucosamine-1-phosphate transferase subunits alpha and beta; minus strand). Cytogenetic location: 12q23.2.
Variant type: single nucleotide variant.
Coding change: c.636+2T>C on transcript NM_024312.5 (MANE Select); the canonical splice donor site of the intron after coding-DNA position 636, T replaced by C.
Molecular consequence: splice donor variant.
Genome position (GRCh38, 1-based): chr12:101,780,555, A>G on the plus strand (T>C on the coding strand, the complement: GNPTAB is on the minus strand). VCF-style: chr12-101780555-A-G. GRCh37 (hg19) VCF-style: chr12-102174333-A-G.
Identifiers: ClinVar variation 4816154 (VCV004816154.1).
Genomic context (GRCh38, chr12:101,780,555, plus strand): 5'-TTATTATTCATATTTTTATTCTAGTCTATTGTAAAAATGCAATTAAATTTAAAATAACAT[A>G]CCAAGTAGCCCCTCCATACTGTCTGTCTGCTATTTCCTTTAAGCAGTCCAGAGTGGGCAT-3'

ClinVar aggregate classification (germline): Likely pathogenic (1 of 4 stars; one submission).

Conditions:
Mucolipidosis type II. Also called: ML II ALPHA/BETA; Mucolipidosis 2; ML 2; Inclusion cell disease; Leroy Disease; N-acetylglucosamine 1phosphotransferase deficiency. Identifiers: Orphanet 576, MedGen C2673377, MONDO:0009650, OMIM 252500.

Submission:

Natera, Inc.
Classification: Likely pathogenic for Mucolipidosis type II. Last evaluated: 2024-06-24. Review status: criteria provided, single submitter. Criteria: Natera Variant Classification Schema (03/2026). Collection method: clinical testing. Allele origin: germline.
Comment: The c.636+2T>C variant in GNPTAB is a canonical splice donor site variant predicted to affect pre-mRNA splicing, which may result in an abnormal transcript and altered protein product. This variant is expected to result in nonsense mediated decay, truncation, or a dysfunctional protein product. This variant is rare in the general population with a frequency below the threshold expected for the associated phenotype(s). Given the available evidence, this variant is classified as Likely Pathogenic.